The following is an entry in ClinVar:

NM_000548.5(TSC2):c.633C>G (p.Ser211=)

Gene: TSC2 (TSC complex subunit 2; plus strand). Cytogenetic location: 16p13.3.
Variant type: single nucleotide variant.
Coding change: c.633C>G on transcript NM_000548.5 (MANE Select); coding-DNA position 633, C replaced by G.
Protein change: p.Ser211=; no amino-acid change (serine 211 retained).
Molecular consequence: synonymous variant.
Genome position (GRCh38, 1-based): chr16:2,056,229, C>G. VCF-style: chr16-2056229-C-G. GRCh37 (hg19) VCF-style: chr16-2106230-C-G.
Other names: c.633C>G, p.Ser211= (NM_001077183.3, NM_001114382.3, NM_001363528.2 and 3 more transcripts); c.522C>G, p.Ser174= (NM_001318827.2); c.486C>G, p.Ser162= (NM_001318829.2); c.33C>G, p.Ser11= (NM_001318831.2); c.666C>G, p.Ser222= (NM_001318832.2).
Identifiers: ClinVar variation 536108 (VCV000536108.20), dbSNP rs762659998, ClinGen allele CA492956354.

ClinVar aggregate classification (germline): Benign/Likely benign. Review status: criteria provided, multiple submitters, no conflicts (2 of 4 stars). 5 submissions from 5 submitters: Benign (2); Likely benign (3). Last evaluated 2025-12-23.

Conditions:
Hereditary cancer-predisposing syndrome. Also called: Neoplastic Syndromes, Hereditary; Tumor predisposition; Hereditary Cancer Syndrome; Hereditary neoplastic syndrome. Identifiers: Orphanet 140162, MedGen C0027672, MeSH D009386, MONDO:0015356.
Tuberous sclerosis 2 (TSC2). Identifiers: Orphanet 805, MedGen C1860707, MONDO:0013199, OMIM 613254.

gnomAD v4.1: 9 of 1,614,086 alleles (0.00056%); highest among the groups gnomAD compares: Non-Finnish European, 0.00059%; no homozygotes.

Submissions (5):

Labcorp Genetics (formerly Invitae), Labcorp
Classification: Likely benign for Tuberous sclerosis 2. Last evaluated: 2025-12-23. Review status: criteria provided, single submitter. Criteria: Invitae Variant Classification Sherloc (09022015). Collection method: clinical testing. Allele origin: germline.

Myriad Genetics, Inc.
Classification: Benign for Tuberous sclerosis 2. Last evaluated: 2025-05-08. Review status: criteria provided, single submitter. Criteria: Myriad Autosomal Dominant, Autosomal Recessive and X-Linked Classification Criteria (2023). Collection method: clinical testing. Allele origin: unknown.
Comment: This variant is considered benign. This variant is a silent/synonymous amino acid change and it is not expected to impact splicing.

Genome-Nilou Lab
Classification: Benign for Tuberous sclerosis 2. Last evaluated: 2021-11-07. Review status: criteria provided, single submitter. Criteria: ACMG Guidelines, 2015. Collection method: clinical testing. Allele origin: germline. Affected: no.

Sema4
Classification: Likely benign for Hereditary cancer-predisposing syndrome. Last evaluated: 2021-10-25. Review status: criteria provided, single submitter. Criteria: Sema4 Curation Guidelines. Collection method: curation. Allele origin: germline.

Ambry Genetics
Classification: Likely benign for Hereditary cancer-predisposing syndrome. Last evaluated: 2018-11-16. Review status: criteria provided, single submitter. Criteria: Ambry Variant Classification Scheme 2023. Collection method: clinical testing. Allele origin: germline.